The following is an entry in ClinVar:

ClinVar aggregate classification (germline): Likely pathogenic (1 of 4 stars; one submission).

Conditions:
Glycogen storage disease, type II (IOPD). Also called: CARDIOMEGALIA GLYCOGENICA DIFFUSA; GLYCOGENOSIS, GENERALIZED, CARDIAC FORM; GSD II; POMPE DISEASE, INFANTILE-ONSET; GLYCOGEN STORAGE DISEASE II, INFANTILE-ONSET; ACID ALPHA-GLUCOSIDASE DEFICIENCY, INFANTILE-ONSET. Identifiers: Orphanet 365, MedGen C0017921, MONDO:0009290, OMIM 232300.

Submission:

Myriad Genetics, Inc.
Classification: Likely pathogenic for Glycogen storage disease, type II. Last evaluated: 2019-12-22. Review status: criteria provided, single submitter. Criteria: Myriad Women's Health Autosomal Recessive and X-Linked Classification Criteria (2019). Collection method: clinical testing. Allele origin: unknown.
Comment: NM_000152.3(GAA):c.904G>T(E302*) is expected to be pathogenic in the context of Pompe disease. This variant is predicted to lead to an abnormal or absent protein product due to the creation of a premature termination codon in GAA, a gene where loss-of-function variants are known to be pathogenic. Please note: this variant was assessed in the context of healthy population screening.

NM_000152.5(GAA):c.904G>T (p.Glu302Ter)

Gene: GAA (alpha glucosidase; plus strand). Cytogenetic location: 17q25.3.
Variant type: single nucleotide variant.
Coding change: c.904G>T on transcript NM_000152.5 (MANE Select); coding-DNA position 904, G replaced by T.
Protein change: p.Glu302Ter; replaces glutamic acid 302 with a stop codon.
Molecular consequence: nonsense.
Genome position (GRCh38, 1-based): chr17:80,107,845, G>T. VCF-style: chr17-80107845-G-T. GRCh37 (hg19) VCF-style: chr17-78081644-G-T.
Other names: c.904G>T, p.Glu302Ter (NM_001079803.3, NM_001079804.3); short protein forms E302*.
Identifiers: ClinVar variation 983719 (VCV000983719.3), dbSNP rs2039131123, ClinGen allele CA401363984.